The following is an entry in ClinVar:

ClinVar aggregate classification (germline): Likely pathogenic. Review status: criteria provided, multiple submitters, no conflicts (2 of 4 stars). 3 submissions from 3 submitters: Likely pathogenic (2). 1 of the submissions does not count toward it. Last evaluated 2025-06-27.

Conditions:
Autosomal recessive nonsyndromic hearing loss 4 (DFNB4). Also called: DEAFNESS, AUTOSOMAL RECESSIVE 4, WITH ENLARGED VESTIBULAR AQUEDUCT, DIGENIC; Deafness, autosomal recessive 4, with enlarged vestibular aqueduct; Enlarged vestibular aqueduct, digenic; Nonsyndromic enlarged vestibular aqueduct (NSEVA); NEUROSENSORY NONSYNDROMIC RECESSIVE DEAFNESS 4; FOXI1-Related Pendred Syndrome. Identifiers: Orphanet 90636, MedGen C3538946, MONDO:0010933, OMIM 600791.
Pendred syndrome (PDS). Also called: Pendred's syndrome; THYROID DYSHORMONOGENESIS 2B; THYROID HORMONOGENESIS, GENETIC DEFECT IN, 2B; Pendred Syndrome (PDS); DEAFNESS WITH GOITER; GOITER-DEAFNESS SYNDROME. Identifiers: Orphanet 705, MedGen C0271829, MONDO:0010134, OMIM 274600.

Allele frequency attached by ClinVar (database versions not stated): gnomAD exomes below 0.00001.
gnomAD v4.1: 1 of 1,599,778 alleles (0.000063%); highest among the groups gnomAD compares: East Asian, 0.0022%; no homozygotes.

Submissions (3):

Myriad Genetics, Inc.
Classification: Likely pathogenic for Pendred syndrome. Last evaluated: 2025-06-27. Review status: criteria provided, single submitter. Criteria: Myriad Autosomal Dominant, Autosomal Recessive and X-Linked Classification Criteria (2023). Collection method: clinical testing. Allele origin: unknown.
Comment: NM_000441.1(SLC26A4):c.1716T>A(F572L) is a missense variant classified as likely pathogenic in the context of Pendred syndrome. F572L has been observed in cases with relevant disease (PMID: 27997596, 20553101, 21963424). Relevant functional assessments of this variant are not available in the literature. F572L has not been observed in referenced population frequency databases. In summary, NM_000441.1(SLC26A4):c.1716T>A(F572L) is a missense variant that has been observed more frequently in cases with the relevant disease than in healthy populations. Please note: this variant was assessed in the context of healthy population screening.

Women's Health and Genetics/Laboratory Corporation of America, LabCorp
Classification: Likely pathogenic for Pendred syndrome. Last evaluated: 2024-08-01. Review status: criteria provided, single submitter. Criteria: LabCorp Variant Classification Summary - May 2015. Collection method: clinical testing. Allele origin: germline.
Comment: Variant summary: SLC26A4 c.1716T>A (p.Phe572Leu) results in a non-conservative amino acid change located in the STAS domain (IPR002645) of the encoded protein sequence. Four of five in-silico tools predict a damaging effect of the variant on protein function. The variant was absent in 251030 control chromosomes. c.1716T>A has been reported in the literature in the presumed compound heterozygous or compound heterozygous state in multiple individuals affected with clinical features of Pendred Syndrome or nonsyndromic deafness (example, Lee_2023, Rah_2015, Siem_2010, Kim_2011, Liu_2016, Zhao_2009), however some of these individuals were not adequately tested to rule out other causes of deafness. These data indicate that the variant is likely to be associated with disease. To our knowledge, no experimental evidence demonstrating an impact on protein function has been reported. The following publications have been ascertained in the context of this evaluation (PMID: 21963424, 37107638, 27997596, 25488846, 20553101, 19199245). ClinVar contains an entry for this variant (Variation ID: 1297072). Based on the evidence outlined above, the variant was classified as likely pathogenic.

Deafness Molecular Diagnostic Center, Chinese PLA General Hospital
Classification: Pathogenic for Autosomal recessive nonsyndromic hearing loss 4. Review status: no assertion criteria provided. Collection method: case-control. Allele origin: paternal. Affected: yes. Not counted in ClinVar's aggregate classification.

Literature cited by the submitters: PubMed 20553101 (cited by Myriad Genetics, Inc. and Women's Health and Genetics/Laboratory Corporation of America, LabCorp); PubMed 21963424 (cited by Myriad Genetics, Inc. and Women's Health and Genetics/Laboratory Corporation of America, LabCorp); PubMed 27997596 (cited by Myriad Genetics, Inc. and Women's Health and Genetics/Laboratory Corporation of America, LabCorp); PubMed 25488846 (cited by Women's Health and Genetics/Laboratory Corporation of America, LabCorp); PubMed 37107638 (cited by Women's Health and Genetics/Laboratory Corporation of America, LabCorp); PubMed 19199245 (cited by Women's Health and Genetics/Laboratory Corporation of America, LabCorp).

NM_000441.2(SLC26A4):c.1716T>A (p.Phe572Leu)

Gene: SLC26A4 (solute carrier family 26 member 4; plus strand). Cytogenetic location: 7q22.3.
Variant type: single nucleotide variant.
Coding change: c.1716T>A on transcript NM_000441.2 (MANE Select); coding-DNA position 1716, T replaced by A.
Protein change: p.Phe572Leu; replaces phenylalanine 572 with leucine.
Molecular consequence: missense variant.
Genome position (GRCh38, 1-based): chr7:107,701,109, T>A. VCF-style: chr7-107701109-T-A. GRCh37 (hg19) VCF-style: chr7-107341554-T-A.
Other names: short protein forms F572L.
Identifiers: ClinVar variation 1297072 (VCV001297072.3), dbSNP rs2129318096, ClinGen allele CA368842831.